The following is an entry in ClinVar:

NM_004588.5(SCN2B):c.485T>G (p.Val162Gly)

Gene: SCN2B (sodium voltage-gated channel beta subunit 2; minus strand). Cytogenetic location: 11q23.3.
Variant type: single nucleotide variant.
Coding change: c.485T>G on transcript NM_004588.5 (MANE Select); coding-DNA position 485, T replaced by G.
Protein change: p.Val162Gly; replaces valine 162 with glycine.
Molecular consequence: missense variant.
Genome position (GRCh38, 1-based): chr11:118,167,050, A>C on the plus strand (T>G on the coding strand, the complement: SCN2B is on the minus strand). VCF-style: chr11-118167050-A-C. GRCh37 (hg19) VCF-style: chr11-118037765-A-C.
Other names: short protein forms V162G.
Identifiers: ClinVar variation 373475 (VCV000373475.1), dbSNP rs879209546, ClinGen allele CA16042814.

ClinVar aggregate classification (germline): Uncertain significance (1 of 4 stars; one submission).

Allele frequency attached by ClinVar (database versions not stated): gnomAD exomes below 0.00001.
gnomAD v4.1: 1 of 1,613,464 alleles (0.000062%); highest among the groups gnomAD compares: South Asian, 0.0011%; no homozygotes.

Submission:

GeneDx
Classification: Uncertain significance. Last evaluated: 2016-11-28. Review status: criteria provided, single submitter. Criteria: GeneDx Variant Classification (06012015). Collection method: clinical testing. Allele origin: germline. Affected: yes.
Comment: A variant of uncertain significance has been identified in the SCN2B gene. The V162G variant has not been published as a pathogenic variant, nor has it been reported as a benign variant to our knowledge. This variant was not observed in approximately 6,500 individuals of European and African American ancestry in the NHLBI Exome Sequencing Project, indicating it is not a common benign variant in these populations. This substitution occurs at a position where only amino acids with similar properties to Valine are tolerated across species, and in silico analysis predicts this variant is probably damaging to the protein structure/function. However, the V162G variant is a conservative amino acid substitution, which is not likely to impact secondary protein structure as these residues share similar properties.Therefore, based on the currently available information, it is unclear whether this variant is pathogenic or benign.